The following is an entry in ClinVar:

Conditions:
Long QT syndrome 5 (LQT5). Identifiers: Orphanet 101016, Orphanet 768, MedGen C1867904, MONDO:0013372, OMIM 613695.

Submission:

Roden Lab, Vanderbilt University Medical Center
No classification provided (evidence only). Condition: Long QT syndrome 5. Review status: no classification provided. Collection method: in vitro. Allele origin: not applicable. Functional consequence: Effect on ion channel function.
ClinVar note: "not provided" was previously submitted as the classification for the variant. However, the classification appeared to be based only on an observation of functional data so it was converted to no classification on 2025-07-30.

NM_000219.6(KCNE1):c.10T>C (p.Ser4Pro)

Gene: KCNE1 (potassium voltage-gated channel subfamily E regulatory subunit 1; minus strand). Cytogenetic location: 21q22.12.
Variant type: single nucleotide variant.
Coding change: c.10T>C on transcript NM_000219.6 (MANE Select); coding-DNA position 10, T replaced by C.
Protein change: p.Ser4Pro; replaces serine 4 with proline.
Molecular consequence: missense variant.
Genome position (GRCh38, 1-based): chr21:34,449,625, A>G on the plus strand (T>C on the coding strand, the complement: KCNE1 is on the minus strand). VCF-style: chr21-34449625-A-G. GRCh37 (hg19) VCF-style: chr21-35821923-A-G.
Other names: c.10T>C, p.Ser4Pro (NM_001127668.4, NM_001127669.4, NM_001127670.4 and 4 more transcripts); short protein forms S4P.
Identifiers: ClinVar variation 3374046 (VCV003374046.2).